The following is an entry in ClinVar:

NM_198578.4(LRRK2):c.2396C>G (p.Ala799Gly)

Gene: LRRK2 (leucine rich repeat kinase 2; plus strand). Cytogenetic location: 12q12.
Variant type: single nucleotide variant.
Coding change: c.2396C>G on transcript NM_198578.4 (MANE Select); coding-DNA position 2396, C replaced by G.
Protein change: p.Ala799Gly; replaces alanine 799 with glycine.
Molecular consequence: missense variant.
Genome position (GRCh38, 1-based): chr12:40,284,029, C>G. VCF-style: chr12-40284029-C-G. GRCh37 (hg19) VCF-style: chr12-40677831-C-G.
Other names: short protein forms A799G.
Identifiers: ClinVar variation 2567399 (VCV002567399.2), dbSNP rs2499664903, ClinGen allele CA384406912.

ClinVar aggregate classification (germline): Uncertain significance (1 of 4 stars; one submission).

Conditions:
Inborn genetic diseases. Identifiers: MedGen C0950123, MeSH D030342.

Submission:

Ambry Genetics
Classification: Uncertain significance for Inborn genetic diseases. Last evaluated: 2023-05-14. Review status: criteria provided, single submitter. Criteria: Ambry Variant Classification Scheme 2023. Collection method: clinical testing. Allele origin: germline.
Comment: The p.A799G variant (also known as c.2396C>G), located in coding exon 19 of the LRRK2 gene, results from a C to G substitution at nucleotide position 2396. The alanine at codon 799 is replaced by glycine, an amino acid with similar properties. This amino acid position is conserved. In addition, this alteration is predicted to be tolerated by in silico analysis. Since supporting evidence is limited at this time, the clinical significance of this alteration remains unclear.